The following is an entry in ClinVar:

ClinVar aggregate classification (germline): Uncertain significance. Review status: criteria provided, multiple submitters, no conflicts (2 of 4 stars). 3 submissions from 3 submitters: Uncertain significance (3). Last evaluated 2026-01-07.

Conditions:
Hereditary cancer-predisposing syndrome. Also called: Neoplastic Syndromes, Hereditary; Tumor predisposition; Hereditary neoplastic syndrome; Hereditary Cancer Syndrome. Identifiers: Orphanet 140162, MedGen C0027672, MeSH D009386, MONDO:0015356.
Familial meningioma. Also called: Meningioma, familial, susceptibility to. Identifiers: Orphanet 263662, MedGen C3551915, MONDO:0011789, OMIM 607174.
Gorlin syndrome. Also called: Basal cell nevus syndrome; Nevoid Basal Cell Carcinoma Syndrome. Identifiers: Orphanet 377, MedGen C0004779, MONDO:0007187.
Medulloblastoma (MDB). Also called: Medulloblastoma, somatic; MEDULLOBLASTOMA PREDISPOSITION SYNDROME. Identifiers: Orphanet 616, MedGen C0025149, MeSH D008527, MONDO:0007959, OMIM 155255, HP:0002885.

Allele frequency attached by ClinVar (database versions not stated): gnomAD exomes below 0.00001 and 0.00001; TOPMed below 0.00001.
gnomAD v4.1: 3 of 1,614,220 alleles (0.00019%); highest among the groups gnomAD compares: Non-Finnish European, 0.00025%; no homozygotes.

Submissions (3):

Labcorp Genetics (formerly Invitae), Labcorp
Classification: Uncertain significance for Gorlin syndrome; Medulloblastoma. Last evaluated: 2026-01-07. Review status: criteria provided, single submitter. Criteria: Invitae Variant Classification Sherloc (09022015). Collection method: clinical testing. Allele origin: germline.
Comment: This sequence change replaces serine, which is neutral and polar, with asparagine, which is neutral and polar, at codon 399 of the SUFU protein (p.Ser399Asn). This variant is present in population databases (no rsID available, gnomAD 0.0009%). This variant has not been reported in the literature in individuals affected with SUFU-related conditions. ClinVar contains an entry for this variant (Variation ID: 524661). Invitae Evidence Modeling of protein sequence and biophysical properties (such as structural, functional, and spatial information, amino acid conservation, physicochemical variation, residue mobility, and thermodynamic stability) indicates that this missense variant is not expected to disrupt SUFU protein function with a negative predictive value of 80%. In summary, the available evidence is currently insufficient to determine the role of this variant in disease. Therefore, it has been classified as a Variant of Uncertain Significance.

Ambry Genetics
Classification: Uncertain significance for Hereditary cancer-predisposing syndrome. Last evaluated: 2025-05-27. Review status: criteria provided, single submitter. Criteria: Ambry Variant Classification Scheme 2023. Collection method: clinical testing. Allele origin: germline.
Comment: The p.S399N variant (also known as c.1196G>A), located in coding exon 10 of the SUFU gene, results from a G to A substitution at nucleotide position 1196. The serine at codon 399 is replaced by asparagine, an amino acid with highly similar properties. This amino acid position is highly conserved in available vertebrate species. In addition, this alteration is predicted to be tolerated by in silico analysis. Since supporting evidence is limited at this time, the clinical significance of this alteration remains unclear.

Baylor Genetics
Classification: Uncertain significance for Familial meningioma. Last evaluated: 2024-01-03. Review status: criteria provided, single submitter. Criteria: ACMG Guidelines, 2015. Collection method: clinical testing. Allele origin: unknown.

NM_016169.4(SUFU):c.1196G>A (p.Ser399Asn)

Gene: SUFU (SUFU negative regulator of hedgehog signaling; plus strand). Cytogenetic location: 10q24.32.
Variant type: single nucleotide variant.
Coding change: c.1196G>A on transcript NM_016169.4 (MANE Select); coding-DNA position 1196, G replaced by A.
Protein change: p.Ser399Asn; replaces serine 399 with asparagine.
Molecular consequence: missense variant.
Genome position (GRCh38, 1-based): chr10:102,617,328, G>A. VCF-style: chr10-102617328-G-A. GRCh37 (hg19) VCF-style: chr10-104377085-G-A.
Other names: c.1196G>A, p.Ser399Asn (NM_001178133.2); short protein forms S399N.
Identifiers: ClinVar variation 524661 (VCV000524661.16), dbSNP rs1421345157, ClinGen allele CA377915342.